The following is an entry in ClinVar:

NM_020774.4(MIB1):c.1548A>G (p.Leu516=)

Gene: MIB1 (MIB E3 ubiquitin protein ligase 1; plus strand). Cytogenetic location: 18q11.2.
Variant type: single nucleotide variant.
Coding change: c.1548A>G on transcript NM_020774.4 (MANE Select); coding-DNA position 1548, A replaced by G.
Protein change: p.Leu516=; no amino-acid change (leucine 516 retained).
Molecular consequence: synonymous variant.
Genome position (GRCh38, 1-based): chr18:21,815,684, A>G. VCF-style: chr18-21815684-A-G. GRCh37 (hg19) VCF-style: chr18-19395645-A-G.
Identifiers: ClinVar variation 511168 (VCV000511168.3), dbSNP rs745431396, ClinGen allele CA8908320.

ClinVar aggregate classification (germline): Likely benign. Review status: criteria provided, multiple submitters, no conflicts (2 of 4 stars). 2 submissions from 2 submitters: Likely benign (2). Last evaluated 2019-06-13.

Conditions:
Inborn genetic diseases. Identifiers: MedGen C0950123, MeSH D030342.

Allele frequency attached by ClinVar (database versions not stated): gnomAD exomes below 0.00001 and 0.00001; ExAC 0.00002; gnomAD 0.00003 and 0.00004; TOPMed 0.00007.
gnomAD v4.1: 8 of 1,614,040 alleles (0.0005%); highest among the groups gnomAD compares: African/African-American, 0.011%; no homozygotes.

Submissions (2):

Ambry Genetics
Classification: Likely benign for Inborn genetic diseases. Last evaluated: 2019-06-13. Review status: criteria provided, single submitter. Criteria: Ambry Variant Classification Scheme 2023. Collection method: clinical testing. Allele origin: germline.

GeneDx
Classification: Likely benign. Last evaluated: 2017-08-02. Review status: criteria provided, single submitter. Criteria: GeneDx Variant Classification (06012015). Collection method: clinical testing. Allele origin: germline. Affected: yes.
Comment: This variant is considered likely benign or benign based on one or more of the following criteria: it is a conservative change, it occurs at a poorly conserved position in the protein, it is predicted to be benign by multiple in silico algorithms, and/or has population frequency not consistent with disease.